The following is an entry in ClinVar:

NM_000110.4(DPYD):c.102delinsACTTA (p.Lys35fs)

Gene: DPYD (dihydropyrimidine dehydrogenase; minus strand). Cytogenetic location: 1p21.3.
Variant type: Indel.
Coding change: c.102delinsACTTA on transcript NM_000110.4 (MANE Select); coding-DNA position 102, G replaced by ACTTA.
Protein change: p.Lys35fs; shifts the reading frame from lysine 35.
Molecular consequence: frameshift variant.
Genome position (GRCh38, 1-based): chr1:97,883,312, C replaced by TAAGT on the plus strand (G replaced by ACTTA on the coding strand, the reverse complement: DPYD is on the minus strand). VCF-style: chr1-97883312-C-TAAGT. GRCh37 (hg19) VCF-style: chr1-98348868-C-TAAGT.
Other names: c.102delinsACTTA, p.Lys35fs (NM_001160301.1); short protein forms K35fs.
Identifiers: ClinVar variation 5011431 (VCV005011431.1).

ClinVar aggregate classification (germline): Pathogenic (1 of 4 stars; one submission).

Conditions:
Dihydropyrimidine dehydrogenase deficiency (DPYDD). Also called: DPD DEFICIENCY; DPYD DEFICIENCY; Hereditary Thymine-Uraciluria. Identifiers: Orphanet 1675, MedGen C1959620, MONDO:0010130, OMIM 274270.

Submission:

Myriad Genetics, Inc.
Classification: Pathogenic for Dihydropyrimidine dehydrogenase deficiency. Last evaluated: 2023-08-21. Review status: criteria provided, single submitter. Criteria: Myriad Autosomal Dominant, Autosomal Recessive and X-Linked Classification Criteria (2023). Collection method: clinical testing. Allele origin: unknown.
Comment: NM_000110.3(DPYD):c.102del1ins5(K35Lfs*13) is expected to be pathogenic in the context of dihydropyrimidine dehydrogenase deficiency. This variant is predicted to lead to an abnormal or absent protein product due to the creation of a premature termination codon in DPYD, a gene where loss-of-function variants are known to be pathogenic. Please note: this variant was assessed in the context of healthy population screening.